The following is an entry in ClinVar:

NM_001199799.2(ILDR1):c.334G>T (p.Val112Leu)

Gene: ILDR1 (immunoglobulin like domain containing receptor 1; minus strand). Cytogenetic location: 3q13.33.
Variant type: single nucleotide variant.
Coding change: c.334G>T on transcript NM_001199799.2 (MANE Select); coding-DNA position 334, G replaced by T.
Protein change: p.Val112Leu; replaces valine 112 with leucine.
Molecular consequence: missense variant.
Genome position (GRCh38, 1-based): chr3:122,005,289, C>A on the plus strand (G>T on the coding strand, the complement: ILDR1 is on the minus strand). VCF-style: chr3-122005289-C-A. GRCh37 (hg19) VCF-style: chr3-121724136-C-A.
Other names: c.334G>T, p.Val112Leu (NM_001199800.2, NM_175924.4); short protein forms V112L.
Identifiers: ClinVar variation 3252557 (VCV003252557.2), dbSNP rs765296361.

ClinVar aggregate classification (germline): Uncertain significance. Review status: criteria provided, multiple submitters, no conflicts (2 of 4 stars). 2 submissions from 2 submitters: Uncertain significance (2). Last evaluated 2024-12-04.

Conditions:
Inborn genetic diseases. Identifiers: MedGen C0950123, MeSH D030342.

Allele frequency attached by ClinVar (database versions not stated): TOPMed below 0.00001.
gnomAD v4.1: 4 of 1,613,610 alleles (0.00025%); highest among the groups gnomAD compares: Admixed American, 0.0067%; no homozygotes.

Submissions (2):

Ambry Genetics
Classification: Uncertain significance for Inborn genetic diseases. Last evaluated: 2024-12-04. Review status: criteria provided, single submitter. Criteria: Ambry Variant Classification Scheme 2023. Collection method: clinical testing. Allele origin: germline.

GeneDx
Classification: Uncertain significance. Last evaluated: 2023-12-08. Review status: criteria provided, single submitter. Criteria: GeneDx Variant Classification Process June 2021. Collection method: clinical testing. Allele origin: germline. Affected: yes.
Comment: Not observed at significant frequency in large population cohorts (gnomAD); In silico analysis supports that this missense variant does not alter protein structure/function; Has not been previously published as pathogenic or benign to our knowledge